The following is an entry in ClinVar:

NM_170606.3(KMT2C):c.4939G>C (p.Glu1647Gln)

Gene: KMT2C (lysine methyltransferase 2C; minus strand). Cytogenetic location: 7q36.1.
Variant type: single nucleotide variant.
Coding change: c.4939G>C on transcript NM_170606.3 (MANE Select); coding-DNA position 4939, G replaced by C.
Protein change: p.Glu1647Gln; replaces glutamic acid 1647 with glutamine.
Molecular consequence: missense variant.
Genome position (GRCh38, 1-based): chr7:152,187,331, C>G on the plus strand (G>C on the coding strand, the complement: KMT2C is on the minus strand). VCF-style: chr7-152187331-C-G. GRCh37 (hg19) VCF-style: chr7-151884416-C-G.
Other names: short protein forms E1647Q.
Identifiers: ClinVar variation 2658222 (VCV002658222.24), dbSNP rs1405466580, ClinGen allele CA370102311.

ClinVar aggregate classification (germline): Uncertain significance (1 of 4 stars; one submission).

gnomAD v4.1: 1 of 1,614,028 alleles (0.000062%); highest among the groups gnomAD compares: Non-Finnish European, 0.000085%; no homozygotes.

Submission:

CeGaT Center for Human Genetics Tuebingen
Classification: Uncertain significance. Last evaluated: 2023-04-01. Review status: criteria provided, single submitter. Criteria: CeGaT Center For Human Genetics Tuebingen Variant Classification Criteria Version 2. Collection method: clinical testing. Allele origin: germline. Affected: yes. Observed: 1 variant allele.
Comment: KMT2C: PM2